The following is an entry in ClinVar:

ClinVar aggregate classification (germline): Uncertain significance (1 of 4 stars; one submission).

Conditions:
Inborn genetic diseases. Identifiers: MedGen C0950123, MeSH D030342.

Submission:

Ambry Genetics
Classification: Uncertain significance for Inborn genetic diseases. Last evaluated: 2025-03-30. Review status: criteria provided, single submitter. Criteria: Ambry Variant Classification Scheme 2023. Collection method: clinical testing. Allele origin: germline.
Comment: The p.P813H variant (also known as c.2438C>A), located in coding exon 26 of the FANCA gene, results from a C to A substitution at nucleotide position 2438. The proline at codon 813 is replaced by histidine, an amino acid with similar properties. This amino acid position is conserved. In addition, this alteration is predicted to be tolerated by in silico analysis. Based on the available evidence, the clinical significance of this variant remains unclear.

NM_000135.4(FANCA):c.2438C>A (p.Pro813His)

Gene: FANCA (FA complementation group A; minus strand). Cytogenetic location: 16q24.3.
Variant type: single nucleotide variant.
Coding change: c.2438C>A on transcript NM_000135.4 (MANE Select); coding-DNA position 2438, C replaced by A.
Protein change: p.Pro813His; replaces proline 813 with histidine.
Molecular consequence: missense variant.
Genome position (GRCh38, 1-based): chr16:89,769,903, G>T on the plus strand (C>A on the coding strand, the complement: FANCA is on the minus strand). VCF-style: chr16-89769903-G-T. GRCh37 (hg19) VCF-style: chr16-89836311-G-T.
Other names: c.2438C>A, p.Pro813His (NM_001286167.3); short protein forms P813H.
Identifiers: ClinVar variation 4022127 (VCV004022127.1).